The following is an entry in ClinVar:

NM_213599.3(ANO5):c.278A>G (p.Asp93Gly)

Gene: ANO5 (anoctamin 5; plus strand). Cytogenetic location: 11p14.3.
Variant type: single nucleotide variant.
Coding change: c.278A>G on transcript NM_213599.3 (MANE Select); coding-DNA position 278, A replaced by G.
Protein change: p.Asp93Gly; replaces aspartic acid 93 with glycine.
Molecular consequence: missense variant.
Genome position (GRCh38, 1-based): chr11:22,221,194, A>G. VCF-style: chr11-22221194-A-G. GRCh37 (hg19) VCF-style: chr11-22242740-A-G.
Other names: c.275A>G, p.Asp92Gly (NM_001142649.2); c.236A>G, p.Asp79Gly (NM_001410963.1); c.233A>G, p.Asp78Gly (NM_001410964.1); short protein forms D78G, D93G, D79G, D92G.
Identifiers: ClinVar variation 1921766 (VCV001921766.6), dbSNP rs2494118670, ClinGen allele CA379925523.

ClinVar aggregate classification (germline): Uncertain significance. Review status: criteria provided, multiple submitters, no conflicts (2 of 4 stars). 2 submissions from 2 submitters: Uncertain significance (2). Last evaluated 2026-05-13.

Conditions:
Inborn genetic diseases. Identifiers: MedGen C0950123, MeSH D030342.
Gnathodiaphyseal dysplasia (GDD). Also called: GNATHODIAPHYSEAL SCLEROSIS; OSTEOGENESIS IMPERFECTA WITH UNUSUAL SKELETAL LESIONS. Identifiers: Orphanet 53697, MedGen C1833736, MONDO:0008151, OMIM 166260.
Autosomal recessive limb-girdle muscular dystrophy type 2L (LGMDR12). Also called: Limb-girdle muscular dystrophy, type 2L; Limb-Girdle Muscular Dystrophy R12 Anoctamin-5-Related (LGMD-R12); MUSCULAR DYSTROPHY, LIMB-GIRDLE, AUTOSOMAL RECESSIVE 12. Identifiers: Orphanet 206549, MedGen C1969785, MONDO:0012652, OMIM 611307.

Allele frequency attached by ClinVar (database versions not stated): gnomAD exomes below 0.00001.
gnomAD v4.1: 1 of 1,609,208 alleles (0.000062%); highest among the groups gnomAD compares: Non-Finnish European, 0.000085%; no homozygotes.

Submissions (2):

Ambry Genetics
Classification: Uncertain significance for Inborn genetic diseases. Last evaluated: 2026-05-13. Review status: criteria provided, single submitter. Criteria: Ambry Variant Classification Scheme 2023. Collection method: clinical testing. Allele origin: germline.

Labcorp Genetics (formerly Invitae), Labcorp
Classification: Uncertain significance for Autosomal recessive limb-girdle muscular dystrophy type 2L; Gnathodiaphyseal dysplasia. Last evaluated: 2022-03-10. Review status: criteria provided, single submitter. Criteria: Invitae Variant Classification Sherloc (09022015). Collection method: clinical testing. Allele origin: germline.
Comment: This variant has not been reported in the literature in individuals affected with ANO5-related conditions. Algorithms developed to predict the effect of missense changes on protein structure and function are either unavailable or do not agree on the potential impact of this missense change (SIFT: "Tolerated"; PolyPhen-2: "Possibly Damaging"; Align-GVGD: "Class C0"). In summary, the available evidence is currently insufficient to determine the role of this variant in disease. Therefore, it has been classified as a Variant of Uncertain Significance. This variant is not present in population databases (gnomAD no frequency). This sequence change replaces aspartic acid, which is acidic and polar, with glycine, which is neutral and non-polar, at codon 93 of the ANO5 protein (p.Asp93Gly).